The following is an entry in ClinVar:

ClinVar aggregate classification (germline): Likely pathogenic (1 of 4 stars; one submission).

Conditions:
TULP3-related condition.

Submission:

PreventionGenetics, part of Exact Sciences
Classification: Likely pathogenic for TULP3-related condition. Last evaluated: 2026-09-10. Review status: criteria provided, single submitter. Criteria: ACMG Guidelines, 2015. Collection method: clinical testing. Allele origin: germline.
Comment: The TULP3 c.804delG variant is predicted to result in a frameshift and premature protein termination (p.Lys268Asnfs*21). To our knowledge, this variant has not been reported in the literature or in a large population database (gnomAD), indicating this variant is rare. Frameshift variants in TULP3 are expected to be pathogenic. This variant is interpreted as likely pathogenic.

NM_003324.5(TULP3):c.804del (p.Lys268fs)

Gene: TULP3 (TUB like protein 3; plus strand). Cytogenetic location: 12p13.33.
Variant type: Deletion.
Coding change: c.804del on transcript NM_003324.5 (MANE Select); coding-DNA position 804, one base deleted (G; older notation c.804delG).
Protein change: p.Lys268fs; shifts the reading frame from lysine 268.
Molecular consequence: frameshift variant.
Genome position (GRCh38, 1-based): chr12:2,933,525, G deleted. VCF-style (leftmost placement, unchanged base first): chr12-2933524-AG-A. GRCh37 (hg19) VCF-style: chr12-3042690-AG-A.
Other names: c.804del, p.Lys268fs (NM_001160408.2); short protein forms K268fs.
Identifiers: ClinVar variation 4996536 (VCV004996536.1).